The following is an entry in ClinVar:

ClinVar aggregate classification (germline): Likely pathogenic (1 of 4 stars; one submission).

Conditions:
Usher syndrome type 2A. Also called: RETINAL DISEASE IN USHER SYNDROME TYPE IIA, MODIFIER OF; USHER SYNDROME, TYPE IIA. Identifiers: Orphanet 231178, Orphanet 886, MedGen C1848634, MONDO:0010169, OMIM 276901.

Allele frequency attached by ClinVar (database versions not stated): gnomAD exomes below 0.00001.
gnomAD v4.1: 1 of 1,613,732 alleles (0.000062%); highest among the groups gnomAD compares: Non-Finnish European, 0.000085%; no homozygotes.

Submission:

Myriad Genetics, Inc.
Classification: Likely pathogenic for Usher syndrome type 2A. Last evaluated: 2022-04-04. Review status: criteria provided, single submitter. Criteria: Myriad Women's Health Autosomal Recessive and X-Linked Classification Criteria (2021). Collection method: clinical testing. Allele origin: unknown.
Comment: NM_206933.2(USH2A):c.8668A>T(K2890*) is expected to be pathogenic in the context of USH2A-related disorders. This variant is predicted to lead to an abnormal or absent protein product due to the creation of a premature termination codon in USH2A, a gene where loss-of-function variants are known to be pathogenic. Please note: this variant was assessed in the context of healthy population screening.

NM_206933.4(USH2A):c.8668A>T (p.Lys2890Ter)

Gene: USH2A (usherin; minus strand). Cytogenetic location: 1q41.
Variant type: single nucleotide variant.
Coding change: c.8668A>T on transcript NM_206933.4 (MANE Select); coding-DNA position 8668, A replaced by T.
Protein change: p.Lys2890Ter; replaces lysine 2890 with a stop codon.
Molecular consequence: nonsense.
Genome position (GRCh38, 1-based): chr1:215,877,771, T>A on the plus strand (A>T on the coding strand, the complement: USH2A is on the minus strand). VCF-style: chr1-215877771-T-A. GRCh37 (hg19) VCF-style: chr1-216051113-T-A.
Other names: short protein forms K2890*.
Identifiers: ClinVar variation 1725866 (VCV001725866.2), dbSNP rs2464713058, ClinGen allele CA344828904.